The following is an entry in ClinVar:

NM_000059.4(BRCA2):c.862C>T (p.Pro288Ser)

Gene: BRCA2 (BRCA2 DNA repair associated; plus strand). Cytogenetic location: 13q13.1.
Variant type: single nucleotide variant.
Coding change: c.862C>T on transcript NM_000059.4 (MANE Select); coding-DNA position 862, C replaced by T.
Protein change: p.Pro288Ser; replaces proline 288 with serine.
Molecular consequence: missense variant.
Genome position (GRCh38, 1-based): chr13:32,332,340, C>T. VCF-style: chr13-32332340-C-T. GRCh37 (hg19) VCF-style: chr13-32906477-C-T.
Other names: short protein forms P288S.
Identifiers: ClinVar variation 441482 (VCV000441482.16), dbSNP rs1464889530, ClinGen allele CA387760575.

ClinVar aggregate classification (germline): Conflicting classifications of pathogenicity. Review status: criteria provided, conflicting classifications (1 of 4 stars). 5 submissions from 5 submitters: Uncertain significance (4); Likely benign (1). Last evaluated 2025-11-24.

Conditions:
Hereditary cancer-predisposing syndrome. Also called: Hereditary Cancer Syndrome; Hereditary neoplastic syndrome; Neoplastic Syndromes, Hereditary; Tumor predisposition. Identifiers: Orphanet 140162, MedGen C0027672, MeSH D009386, MONDO:0015356.
Hereditary breast ovarian cancer syndrome. Also called: Hereditary breast and ovarian cancer; Breast and ovarian cancer; Hereditary breast and ovarian cancer syndrome; Hereditary breast and/or ovarian cancer syndrome; BRCA1- and BRCA2-Associated Hereditary Breast and Ovarian Cancer; Hereditary breast and ovarian cancer syndrome (HBOC). Identifiers: Orphanet 145, MedGen C0677776, MeSH D061325, MONDO:0003582. Disease mechanism: loss of function.

Allele frequency attached by ClinVar (database versions not stated): TOPMed below 0.00001; gnomAD 0.00001.
gnomAD v4.1: 1 of 1,598,382 alleles (0.000063%); highest among the groups gnomAD compares: Non-Finnish European, 0.000085%; no homozygotes.

Submissions (5):

Ambry Genetics
Classification: Uncertain significance for Hereditary cancer-predisposing syndrome. Last evaluated: 2025-11-24. Review status: criteria provided, single submitter. Criteria: Ambry Variant Classification Scheme 2023. Collection method: clinical testing. Allele origin: germline.
Comment: The p.P288S variant (also known as c.862C>T), located in coding exon 9 of the BRCA2 gene, results from a C to T substitution at nucleotide position 862. The proline at codon 288 is replaced by serine, an amino acid with similar properties. This amino acid position is well conserved in available vertebrate species. In addition, this alteration is predicted to be tolerated by in silico analysis. Since supporting evidence is limited at this time, the clinical significance of this alteration remains unclear.

Women's Health and Genetics/Laboratory Corporation of America, LabCorp
Classification: Uncertain significance. Last evaluated: 2025-10-17. Review status: criteria provided, single submitter. Criteria: LabCorp Variant Classification Summary - May 2015. Collection method: clinical testing. Allele origin: germline.
Comment: Variant summary: BRCA2 c.862C>T (p.Pro288Ser) results in a non-conservative amino acid change in the encoded protein sequence. Algorithms developed to predict the effect of missense changes on protein structure and function are either unavailable or do not agree on the potential impact of this missense change. The variant was absent in 239502 control chromosomes. The available data on variant occurrences in the general population are insufficient to allow any conclusion about variant significance. To our knowledge, no occurrence of c.862C>T in individuals affected with BRCA2-related conditions and no experimental evidence demonstrating its impact on protein function have been reported. ClinVar contains an entry for this variant (Variation ID: 441482). Based on the evidence outlined above, the variant was classified as uncertain significance.

Labcorp Genetics (formerly Invitae), Labcorp
Classification: Uncertain significance for Hereditary breast ovarian cancer syndrome. Last evaluated: 2024-10-22. Review status: criteria provided, single submitter. Criteria: Invitae Variant Classification Sherloc (09022015). Collection method: clinical testing. Allele origin: germline.
Comment: This sequence change replaces proline, which is neutral and non-polar, with serine, which is neutral and polar, at codon 288 of the BRCA2 protein (p.Pro288Ser). This variant is not present in population databases (gnomAD no frequency). This variant has not been reported in the literature in individuals affected with BRCA2-related conditions. ClinVar contains an entry for this variant (Variation ID: 441482). Invitae Evidence Modeling of protein sequence and biophysical properties (such as structural, functional, and spatial information, amino acid conservation, physicochemical variation, residue mobility, and thermodynamic stability) indicates that this missense variant is not expected to disrupt BRCA2 protein function with a negative predictive value of 95%. In summary, the available evidence is currently insufficient to determine the role of this variant in disease. Therefore, it has been classified as a Variant of Uncertain Significance.

University of Washington Department of Laboratory Medicine, University of Washington
Classification: Likely benign for Hereditary cancer-predisposing syndrome. Last evaluated: 2023-03-23. Review status: criteria provided, single submitter. Criteria: Dines et al. (Genet Med. 2020). Collection method: curation. Allele origin: germline.
Comment: Missense variant in a coldspot region where missense variants are very unlikely to be pathogenic (PMID:31911673).

BRCA2 exon 10 coldspot. Reclassification based on statistical prior probability.

Color Diagnostics, LLC DBA Color Health
Classification: Uncertain significance for Hereditary cancer-predisposing syndrome. Last evaluated: 2019-06-08. Review status: criteria provided, single submitter. Criteria: ACMG Guidelines, 2015. Collection method: clinical testing. Allele origin: germline.